The following is an entry in ClinVar:

ClinVar aggregate classification (germline): Uncertain significance (1 of 4 stars; one submission).

Conditions:
Amyotrophic lateral sclerosis type 21. Also called: VOCAL CORD AND PHARYNGEAL DYSFUNCTION WITH DISTAL MYOPATHY; MYOPATHY, DISTAL, 2. Identifiers: Orphanet 600, Orphanet 803, MedGen C3807521, MONDO:0011632, OMIM 606070.

Submission:

Labcorp Genetics (formerly Invitae), Labcorp
Classification: Uncertain significance for Amyotrophic lateral sclerosis type 21. Last evaluated: 2021-04-12. Review status: criteria provided, single submitter. Criteria: Invitae Variant Classification Sherloc (09022015). Collection method: clinical testing. Allele origin: germline.
Comment: In summary, the available evidence is currently insufficient to determine the role of this variant in disease. Therefore, it has been classified as a Variant of Uncertain Significance. Algorithms developed to predict the effect of missense changes on protein structure and function (SIFT, PolyPhen-2, Align-GVGD) all suggest that this variant is likely to be tolerated, but these predictions have not been confirmed by published functional studies and their clinical significance is uncertain. This variant has not been reported in the literature in individuals with MATR3-related conditions. This variant is not present in population databases (ExAC no frequency). This sequence change replaces proline with serine at codon 194 of the MATR3 protein (p.Pro194Ser). The proline residue is highly conserved and there is a moderate physicochemical difference between proline and serine.

NM_018834.6(MATR3):c.580C>T (p.Pro194Ser)

Gene: MATR3 (matrin 3; plus strand). Cytogenetic location: 5q31.2.
Variant type: single nucleotide variant.
Coding change: c.580C>T on transcript NM_018834.6 (MANE Select); coding-DNA position 580, C replaced by T.
Protein change: p.Pro194Ser; replaces proline 194 with serine.
Molecular consequence: missense variant. On other transcripts: intron variant (2).
Genome position (GRCh38, 1-based): chr5:139,307,995, C>T. VCF-style: chr5-139307995-C-T. GRCh37 (hg19) VCF-style: chr5-138643684-C-T.
Other names: c.580C>T, p.Pro194Ser (NM_001194954.2, NM_001194955.2, NM_199189.3); c.-102-6680C>T (NM_001282278.2); c.49-6680C>T (NM_001194956.2); short protein forms P194S.
Identifiers: ClinVar variation 1387242 (VCV001387242.8), dbSNP rs2151961098, ClinGen allele CA361487590.